The following is an entry in ClinVar:

ClinVar aggregate classification (germline): Uncertain significance. Review status: criteria provided, multiple submitters, no conflicts (2 of 4 stars). 2 submissions from 2 submitters: Uncertain significance (2). Last evaluated 2024-12-02.

Allele frequency attached by ClinVar (database versions not stated): gnomAD exomes below 0.00001; gnomAD 0.00001; TOPMed 0.00001.

Submissions (2):

Ambry Genetics
Classification: Uncertain significance. Last evaluated: 2024-12-02. Review status: criteria provided, single submitter. Criteria: Ambry Variant Classification Scheme 2023. Collection method: clinical testing. Allele origin: germline.
Comment: The p.L165V variant (also known as c.493C>G), located in coding exon 3 of the ATRIP gene, results from a C to G substitution at nucleotide position 493. The leucine at codon 165 is replaced by valine, an amino acid with highly similar properties. This amino acid position is conserved. In addition, this alteration is predicted to be tolerated by in silico analysis. Based on the available evidence, the clinical significance of this variant remains unclear.

Labcorp Genetics (formerly Invitae), Labcorp
Classification: Uncertain significance. Last evaluated: 2022-07-25. Review status: criteria provided, single submitter. Criteria: Invitae Variant Classification Sherloc (09022015). Collection method: clinical testing. Allele origin: germline.
Comment: In summary, the available evidence is currently insufficient to determine the role of this variant in disease. Therefore, it has been classified as a Variant of Uncertain Significance. Algorithms developed to predict the effect of missense changes on protein structure and function are either unavailable or do not agree on the potential impact of this missense change (SIFT: "Deleterious"; PolyPhen-2: "Benign"; Align-GVGD: "Class C15"). This variant has not been reported in the literature in individuals affected with ATRIP-related conditions. This variant is present in population databases (no rsID available, gnomAD 0.007%). This sequence change replaces leucine, which is neutral and non-polar, with valine, which is neutral and non-polar, at codon 165 of the ATRIP protein (p.Leu165Val).

NM_130384.3(ATRIP):c.493C>G (p.Leu165Val)

Genes: ATRIP (ATR interacting protein; plus strand), ATRIP-TREX1 (ATRIP-TREX1 readthrough; plus strand). Cytogenetic location: 3p21.31.
Variant type: single nucleotide variant.
Coding change: c.493C>G on transcript NM_130384.3 (MANE Select); coding-DNA position 493, C replaced by G.
Protein change: p.Leu165Val; replaces leucine 165 with valine.
Molecular consequence: missense variant. On other transcripts: non-coding transcript variant (1).
Genome position (GRCh38, 1-based): chr3:48,451,840, C>G. VCF-style: chr3-48451840-C-G. GRCh37 (hg19) VCF-style: chr3-48493246-C-G.
Other names: c.112C>G, p.Leu38Val (NM_001271022.2); c.214C>G, p.Leu72Val (NM_001271023.2); c.493C>G, p.Leu165Val (NM_032166.4); c.493C>G (NM_130384.1); short protein forms L165V, L38V, L72V.
Identifiers: ClinVar variation 1920507 (VCV001920507.6), dbSNP rs1205528744, ClinGen allele CA352709777.